The following is an entry in ClinVar:

ClinVar aggregate classification (germline): Uncertain significance (1 of 4 stars; one submission).

Conditions:
Autosomal dominant nonsyndromic hearing loss 56. Also called: Deafness, autosomal dominant 56. Identifiers: Orphanet 90635, MedGen C3810170, MONDO:0014283, OMIM 615629.

Submission:

Laboratory of Prof. Karen Avraham, Tel Aviv University
Classification: Uncertain significance for Autosomal dominant nonsyndromic hearing loss 56. Last evaluated: 2024-12-29. Review status: criteria provided, single submitter. Criteria: ACMG Guidelines, 2015. Collection method: research. Allele origin: germline. Inheritance: Autosomal dominant inheritance. Affected: yes. Observed: 1 heterozygote.
Comment: The TNC c.3297-3299delCAGinsAAT:p.(Gln1099Asn) heterozygous variant is very rare and predicted deleterious.

NM_002160.4(TNC):c.3295_3297delinsAAT (p.Gln1099Asn)

Gene: TNC (tenascin C; minus strand). Cytogenetic location: 9q33.1.
Variant type: Indel.
Coding change: c.3295_3297delinsAAT on transcript NM_002160.4 (MANE Select); coding-DNA positions 3295 to 3297, CAG replaced by AAT.
Protein change: p.Gln1099Asn; replaces glutamine 1099 with asparagine.
Molecular consequence: missense variant.
Genome position (GRCh38, 1-based): chr9:115,064,837-115,064,839, CTG replaced by ATT on the plus strand (CAG replaced by AAT on the coding strand, the reverse complement: TNC is on the minus strand). VCF-style: chr9-115064837-CTG-ATT. GRCh37 (hg19) VCF-style: chr9-117827116-CTG-ATT.
Other names: c.3295_3297delinsAAT, p.Gln1099Asn (NM_001410991.1); short protein forms Q1099N.
Identifiers: ClinVar variation 3391819 (VCV003391819.1).